The following is an entry in ClinVar:

NM_021160.3(ABHD16A):c.362A>T (p.Asn121Ile)

Gene: ABHD16A (abhydrolase domain containing 16A, phospholipase; minus strand). Cytogenetic location: 6p21.33.
Variant type: single nucleotide variant.
Coding change: c.362A>T on transcript NM_021160.3 (MANE Select); coding-DNA position 362, A replaced by T.
Protein change: p.Asn121Ile; replaces asparagine 121 with isoleucine.
Molecular consequence: missense variant. On other transcripts: non-coding transcript variant (2).
Genome position (GRCh38, 1-based): chr6:31,697,015, T>A on the plus strand (A>T on the coding strand, the complement: ABHD16A is on the minus strand). VCF-style: chr6-31697015-T-A. GRCh37 (hg19) VCF-style: chr6-31664792-T-A.
Other names: c.263A>T, p.Asn88Ile (NM_001177515.2); short protein forms N121I, N88I.
Identifiers: ClinVar variation 1199392 (VCV001199392.2), dbSNP rs1804466196, ClinGen allele CA363344872.

ClinVar aggregate classification (germline): Uncertain significance. Review status: criteria provided, single submitter (1 of 4 stars). 2 submissions from 2 submitters: Uncertain significance (1). 1 of the submissions does not count toward it. Last evaluated 2021-07-01.

Conditions:
Spastic paraplegia. Identifiers: MedGen C0037772, HP:0001258.
Spastic paraplegia 86, autosomal recessive (SPG86). Identifiers: Orphanet 631085, MedGen C5676910, MONDO:0030673, OMIM 619735.

Submissions (2):

Care4Rare-SOLVE, CHEO
Classification: Uncertain significance for Spastic paraplegia. Last evaluated: 2021-07-01. Review status: criteria provided, single submitter. Criteria: ACMG Guidelines, 2015. Collection method: research. Allele origin: germline. Affected: yes. Observed: 2 variant alleles, 2 homozygotes.
Comment: This variant was identified in siblings affected with a complex form of hereditary spastic paraplegia. In silico programs predict a deleterious effect on the protein (CADD, MutationTaster, Polyphen-2)

OMIM
Classification: Pathogenic for SPASTIC PARAPLEGIA 86, AUTOSOMAL RECESSIVE. Last evaluated: 2022-02-09. Review status: no assertion criteria provided. Collection method: literature only. Allele origin: germline. Not counted in ClinVar's aggregate classification.

Literature cited by the submitters: DOI 10.1016/j.ajhg.2021.09.005 (cited by Care4Rare-SOLVE, CHEO); PubMed 34587489 (cited by OMIM).